The following is an entry in ClinVar:

NM_001036.6(RYR3):c.1067A>G (p.Gln356Arg)

Gene: RYR3 (ryanodine receptor 3; plus strand). Cytogenetic location: 15q14.
Variant type: single nucleotide variant.
Coding change: c.1067A>G on transcript NM_001036.6 (MANE Select); coding-DNA position 1067, A replaced by G.
Protein change: p.Gln356Arg; replaces glutamine 356 with arginine.
Molecular consequence: missense variant.
Genome position (GRCh38, 1-based): chr15:33,562,931, A>G. VCF-style: chr15-33562931-A-G. GRCh37 (hg19) VCF-style: chr15-33855132-A-G.
Other names: c.1067A>G, p.Gln356Arg (NM_001243996.4); c.1067A>G (NM_001036.3); short protein forms Q356R.
Identifiers: ClinVar variation 659884 (VCV000659884.12), dbSNP rs753622466, ClinGen allele CA7458008.

ClinVar aggregate classification (germline): Uncertain significance. Review status: criteria provided, multiple submitters, no conflicts (2 of 4 stars). 2 submissions from 2 submitters: Uncertain significance (2). Last evaluated 2025-10-02.

Conditions:
Epileptic encephalopathy. Identifiers: MedGen C0543888, HP:0200134.

Allele frequency attached by ClinVar (database versions not stated): gnomAD exomes 0.00009 and 0.00002; TOPMed 0.00019; gnomAD 0.00022 and 0.00021; ExAC 0.00001.
gnomAD v4.1: 67 of 1,613,776 alleles (0.0042%); highest among the groups gnomAD compares: Admixed American, 0.11%; no homozygotes.

Submissions (2):

Ambry Genetics
Classification: Uncertain significance. Last evaluated: 2025-10-02. Review status: criteria provided, single submitter. Criteria: Ambry Variant Classification Scheme 2023. Collection method: clinical testing. Allele origin: germline.

Labcorp Genetics (formerly Invitae), Labcorp
Classification: Uncertain significance for Epileptic encephalopathy. Last evaluated: 2022-09-06. Review status: criteria provided, single submitter. Criteria: Invitae Variant Classification Sherloc (09022015). Collection method: clinical testing. Allele origin: germline.
Comment: Algorithms developed to predict the effect of missense changes on protein structure and function (SIFT, PolyPhen-2, Align-GVGD) all suggest that this variant is likely to be tolerated. ClinVar contains an entry for this variant (Variation ID: 659884). This variant has not been reported in the literature in individuals affected with RYR3-related conditions. This variant is present in population databases (rs753622466, gnomAD 0.07%), and has an allele count higher than expected for a pathogenic variant. This sequence change replaces glutamine, which is neutral and polar, with arginine, which is basic and polar, at codon 356 of the RYR3 protein (p.Gln356Arg). In summary, the available evidence is currently insufficient to determine the role of this variant in disease. Therefore, it has been classified as a Variant of Uncertain Significance.